The following is an entry in ClinVar:

ClinVar aggregate classification (germline): Uncertain significance (1 of 4 stars; one submission).

Conditions:
Short-rib thoracic dysplasia 6 with or without polydactyly (SRTD6). Also called: POLYDACTYLY WITH NEONATAL CHONDRODYSTROPHY, TYPE II; SHORT RIB-POLYDACTYLY SYNDROME, TYPE IIA; SHORT-RIB THORACIC DYSPLASIA 6 WITH POLYDACTYLY; SHORT-RIB THORACIC DYSPLASIA 6 WITHOUT POLYDACTYLY; Majewski Syndrome. Identifiers: MedGen C0024507, MONDO:0009894, OMIM 263520.

gnomAD v4.1: 1 of 1,537,902 alleles (0.000065%); highest among the groups gnomAD compares: Non-Finnish European, 0.000088%; no homozygotes.

Submission:

Labcorp Genetics (formerly Invitae), Labcorp
Classification: Uncertain significance for Short-rib thoracic dysplasia 6 with or without polydactyly. Last evaluated: 2024-10-24. Review status: criteria provided, single submitter. Criteria: Invitae Variant Classification Sherloc (09022015). Collection method: clinical testing. Allele origin: germline.
Comment: This sequence change replaces glycine, which is neutral and non-polar, with glutamic acid, which is acidic and polar, at codon 840 of the NEK1 protein (p.Gly840Glu). This variant is not present in population databases (gnomAD no frequency). This variant has not been reported in the literature in individuals affected with NEK1-related conditions. Invitae Evidence Modeling of protein sequence and biophysical properties (such as structural, functional, and spatial information, amino acid conservation, physicochemical variation, residue mobility, and thermodynamic stability) indicates that this missense variant is not expected to disrupt NEK1 protein function with a negative predictive value of 80%. In summary, the available evidence is currently insufficient to determine the role of this variant in disease. Therefore, it has been classified as a Variant of Uncertain Significance.

NM_001199397.3(NEK1):c.2603G>A (p.Gly868Glu)

Gene: NEK1 (NIMA related kinase 1; minus strand). Cytogenetic location: 4q33.
Variant type: single nucleotide variant.
Coding change: c.2603G>A on transcript NM_001199397.3 (MANE Select); coding-DNA position 2603, G replaced by A.
Protein change: p.Gly868Glu; replaces glycine 868 with glutamic acid.
Molecular consequence: missense variant. On other transcripts: non-coding transcript variant (1), intron variant (1).
Genome position (GRCh38, 1-based): chr4:169,438,244, C>T on the plus strand (G>A on the coding strand, the complement: NEK1 is on the minus strand). VCF-style: chr4-169438244-C-T. GRCh37 (hg19) VCF-style: chr4-170359395-C-T.
Other names: c.2471G>A, p.Gly824Glu (NM_001199398.3); c.2312G>A, p.Gly771Glu (NM_001199399.3); c.2387G>A, p.Gly796Glu (NM_001199400.3); c.2603G>A, p.Gly868Glu (NM_001374418.1); c.2519G>A, p.Gly840Glu (NM_001374419.1, NM_012224.4); c.2468G>A, p.Gly823Glu (NM_001374420.1); c.2282-4579G>A (NM_001374421.1); short protein forms G771E, G796E, G823E, G824E, G840E, G868E.
Identifiers: ClinVar variation 3603747 (VCV003603747.2).